The following is an entry in ClinVar:

NM_182972.3(IRF2BP2):c.359CGGCCG[3] (p.Ala123_Glu124insAlaAla)

Genes: IRF2BP2 (interferon regulatory factor 2 binding protein 2; minus strand), LOC129932812 (ATAC-STARR-seq lymphoblastoid silent region 1977; plus strand). Cytogenetic location: 1q42.3.
Variant type: Microsatellite.
Coding change: c.359CGGCCG[3] on transcript NM_182972.3 (MANE Select); three copies in a row of the 6-base unit CGGCCG starting at c.359; the reference has two copies in a row; one copy, 6 bases duplicated.
Protein change: p.Ala123_Glu124insAlaAla.
Molecular consequence: inframe insertion.
Genome position (GRCh38, 1-based): chr1:234,609,125-234,609,130, CGGCCG duplicated on the plus strand (CGGCCG on the coding strand, the reverse complement: IRF2BP2 is on the minus strand); duplicating any 6 consecutive bases within chr1:234,609,125-234,609,137 gives the same sequence; the position shown is the placement nearest the transcript's 3' end. VCF-style (leftmost placement, unchanged base first): chr1-234609124-T-TCGGCCG. GRCh37 (hg19) VCF-style: chr1-234744870-T-TCGGCCG.
Other names: c.359CGGCCG[3], p.Ala123_Glu124insAlaAla (NM_001077397.1).
Identifiers: ClinVar variation 2175433 (VCV002175433.4), dbSNP rs1041708693, ClinGen allele CA39546819.
Genomic context (GRCh38, chr1:234,609,124, plus strand): 5'-TGGGCCAGGCTCGCTGCCGGGCGGCTGCTGCCGAAGTCAGAGCCGAGGCGCGGGGGCCTC[T>TCGGCCG]CGGCCGCGGCCGCCAACGGGTAGCGCTCCAAGGCCTGCGGCGCGCGCGGGGCCGCCTCGG-3'

ClinVar aggregate classification (germline): Uncertain significance (1 of 4 stars; one submission).

Submission:

Labcorp Genetics (formerly Invitae), Labcorp
Classification: Uncertain significance. Last evaluated: 2022-03-16. Review status: criteria provided, single submitter. Criteria: Invitae Variant Classification Sherloc (09022015). Collection method: clinical testing. Allele origin: germline.
Comment: Experimental studies and prediction algorithms are not available or were not evaluated, and the functional significance of this variant is currently unknown. This variant has not been reported in the literature in individuals affected with IRF2BP2-related conditions. This variant is present in population databases (no rsID available, gnomAD 0.02%). This variant, c.365_370dup, results in the insertion of 2 amino acid(s) of the IRF2BP2 protein (p.Ala122_Ala123dup), but otherwise preserves the integrity of the reading frame. In summary, the available evidence is currently insufficient to determine the role of this variant in disease. Therefore, it has been classified as a Variant of Uncertain Significance.